The following is an entry in ClinVar:

ClinVar aggregate classification (germline): Uncertain significance. Review status: criteria provided, multiple submitters, no conflicts (2 of 4 stars). 2 submissions from 2 submitters: Uncertain significance (2). Last evaluated 2025-08-15.

Conditions:
Inborn genetic diseases. Identifiers: MedGen C0950123, MeSH D030342.

Submissions (2):

Labcorp Genetics (formerly Invitae), Labcorp
Classification: Uncertain significance. Last evaluated: 2025-08-15. Review status: criteria provided, single submitter. Criteria: Invitae Variant Classification Sherloc (09022015). Collection method: clinical testing. Allele origin: germline.
Comment: This sequence change replaces serine, which is neutral and polar, with proline, which is neutral and non-polar, at codon 734 of the ANKRD26 protein (p.Ser734Pro). This variant is not present in population databases (gnomAD no frequency). This variant has not been reported in the literature in individuals affected with ANKRD26-related conditions. ClinVar contains an entry for this variant (Variation ID: 3712823). An algorithm developed to predict the effect of missense changes on protein structure and function (PolyPhen-2) suggests that this variant is likely to be disruptive. In summary, the available evidence is currently insufficient to determine the role of this variant in disease. Therefore, it has been classified as a Variant of Uncertain Significance.

Ambry Genetics
Classification: Uncertain significance for Inborn genetic diseases. Last evaluated: 2025-02-09. Review status: criteria provided, single submitter. Criteria: Ambry Variant Classification Scheme 2023. Collection method: clinical testing. Allele origin: germline.
Comment: The p.S734P variant (also known as c.2200T>C), located in coding exon 21 of the ANKRD26 gene, results from a T to C substitution at nucleotide position 2200. The serine at codon 734 is replaced by proline, an amino acid with similar properties. This amino acid position is conserved. In addition, this alteration is predicted to be tolerated by in silico analysis. Based on the available evidence, the clinical significance of this variant remains unclear.

NM_014915.3(ANKRD26):c.2200T>C (p.Ser734Pro)

Gene: ANKRD26 (ankyrin repeat domain 26; minus strand). Cytogenetic location: 10p12.1.
Variant type: single nucleotide variant.
Coding change: c.2200T>C on transcript NM_014915.3 (MANE Select); coding-DNA position 2200, T replaced by C.
Protein change: p.Ser734Pro; replaces serine 734 with proline.
Molecular consequence: missense variant.
Genome position (GRCh38, 1-based): chr10:27,040,140, A>G on the plus strand (T>C on the coding strand, the complement: ANKRD26 is on the minus strand). VCF-style: chr10-27040140-A-G. GRCh37 (hg19) VCF-style: chr10-27329069-A-G.
Other names: c.2197T>C, p.Ser733Pro (NM_001256053.2); short protein forms S733P, S734P.
Identifiers: ClinVar variation 3712823 (VCV003712823.3).